The following is an entry in ClinVar:

NM_006180.6(NTRK2):c.217A>G (p.Ile73Val)

Genes: NTRK2 (neurotrophic receptor tyrosine kinase 2; plus strand), LOC130001952 (ATAC-STARR-seq lymphoblastoid active region 28508; plus strand). Cytogenetic location: 9q21.33.
Variant type: single nucleotide variant.
Coding change: c.217A>G on transcript NM_006180.6 (MANE Select); coding-DNA position 217, A replaced by G.
Protein change: p.Ile73Val; replaces isoleucine 73 with valine.
Molecular consequence: missense variant. On other transcripts: 5 prime UTR variant (4).
Genome position (GRCh38, 1-based): chr9:84,702,163, A>G. VCF-style: chr9-84702163-A-G. GRCh37 (hg19) VCF-style: chr9-87317078-A-G.
Other names: c.217A>G, p.Ile73Val (NM_001007097.3, NM_001018064.3, NM_001018065.2 and 19 more transcripts); c.-252A>G (NM_001369535.1, NM_001369536.1, NM_001369550.1 and 1 more transcripts); short protein forms I73V.
Identifiers: ClinVar variation 1975656 (VCV001975656.7), dbSNP rs2491511139, ClinGen allele CA374005002.

ClinVar aggregate classification (germline): Uncertain significance. Review status: criteria provided, multiple submitters, no conflicts (2 of 4 stars). 2 submissions from 2 submitters: Uncertain significance (2). Last evaluated 2026-03-29.

Submissions (2):

Dasa
Classification: Uncertain significance. Last evaluated: 2026-03-29. Review status: criteria provided, single submitter. Criteria: DASA Assertion Criteria. Collection method: clinical testing. Allele origin: germline.
Comment: NM_006180.6(NTRK2):c.217A>G (p.Ile73Val) is a missense variant that results in the substitution of isoleucine with valine. This variant is rare in population databases. The currently available literature and clinical evidence are not sufficient to establish a definitive association between this variant and the reported condition. Therefore, this variant is classified as a variant of uncertain significance.

Labcorp Genetics (formerly Invitae), Labcorp
Classification: Uncertain significance. Last evaluated: 2022-08-13. Review status: criteria provided, single submitter. Criteria: Invitae Variant Classification Sherloc (09022015). Collection method: clinical testing. Allele origin: germline.
Comment: This variant has not been reported in the literature in individuals affected with NTRK2-related conditions. In summary, the available evidence is currently insufficient to determine the role of this variant in disease. Therefore, it has been classified as a Variant of Uncertain Significance. Algorithms developed to predict the effect of missense changes on protein structure and function are either unavailable or do not agree on the potential impact of this missense change (SIFT: "Deleterious"; PolyPhen-2: "Probably Damaging"; Align-GVGD: "Class C0"). This variant is not present in population databases (gnomAD no frequency). This sequence change replaces isoleucine, which is neutral and non-polar, with valine, which is neutral and non-polar, at codon 73 of the NTRK2 protein (p.Ile73Val).